The following is an entry in ClinVar:

ClinVar aggregate classification (germline): Uncertain significance (1 of 4 stars; one submission).

Conditions:
Generalized epilepsy with febrile seizures plus, type 9 (GEFSP9). Also called: GEFS+, TYPE 9. Identifiers: Orphanet 36387, MedGen C4015395, MONDO:0014517, OMIM 616172.

Submission:

Labcorp Genetics (formerly Invitae), Labcorp
Classification: Uncertain significance for Generalized epilepsy with febrile seizures plus, type 9. Last evaluated: 2022-07-26. Review status: criteria provided, single submitter. Criteria: Invitae Variant Classification Sherloc (09022015). Collection method: clinical testing. Allele origin: germline.
Comment: ClinVar contains an entry for this variant (Variation ID: 862348). This variant has not been reported in the literature in individuals affected with STX1B-related conditions. This variant is not present in population databases (gnomAD no frequency). This sequence change replaces arginine, which is basic and polar, with lysine, which is basic and polar, at codon 262 of the STX1B protein (p.Arg262Lys). Algorithms developed to predict the effect of missense changes on protein structure and function (SIFT, PolyPhen-2, Align-GVGD) all suggest that this variant is likely to be tolerated. In summary, the available evidence is currently insufficient to determine the role of this variant in disease. Therefore, it has been classified as a Variant of Uncertain Significance.

NM_052874.5(STX1B):c.785G>A (p.Arg262Lys)

Gene: STX1B (syntaxin 1B; minus strand). Cytogenetic location: 16p11.2.
Variant type: single nucleotide variant.
Coding change: c.785G>A on transcript NM_052874.5 (MANE Select); coding-DNA position 785, G replaced by A.
Protein change: p.Arg262Lys; replaces arginine 262 with lysine.
Molecular consequence: missense variant.
Genome position (GRCh38, 1-based): chr16:30,993,131, C>T on the plus strand (G>A on the coding strand, the complement: STX1B is on the minus strand). VCF-style: chr16-30993131-C-T. GRCh37 (hg19) VCF-style: chr16-31004452-C-T.
Other names: short protein forms R262K.
Identifiers: ClinVar variation 862348 (VCV000862348.9), dbSNP rs2056572301, ClinGen allele CA395646565.